The following is an entry in ClinVar:

ClinVar aggregate classification (germline): Likely benign. Review status: criteria provided, multiple submitters, no conflicts (2 of 4 stars). 4 submissions from 4 submitters: Likely benign (4). Last evaluated 2025-12-21.

Conditions:
Fanconi anemia (FA). Also called: Fanconi's anemia. Identifiers: Orphanet 84, MedGen C0015625, MeSH D005199, MONDO:0019391.
Fanconi anemia complementation group I (FANCI). Also called: FANCI-Related Fanconi Anemia. Identifiers: Orphanet 84, MedGen C1836861, MONDO:0012186, OMIM 609053.

Allele frequency attached by ClinVar (database versions not stated): gnomAD below 0.00001 and 0.00004; TOPMed 0.00002; gnomAD exomes 0.00023; ExAC 0.00025.
gnomAD v4.1: 157 of 1,614,048 alleles (0.0097%); highest among the groups gnomAD compares: South Asian, 0.14%; no homozygotes.

Submissions (4):

Labcorp Genetics (formerly Invitae), Labcorp
Classification: Likely benign for Fanconi anemia. Last evaluated: 2025-12-21. Review status: criteria provided, single submitter. Criteria: Invitae Variant Classification Sherloc (09022015). Collection method: clinical testing. Allele origin: germline.

Dasa
Classification: Likely benign. Last evaluated: 2025-03-23. Review status: criteria provided, single submitter. Criteria: DASA Assertion Criteria. Collection method: clinical testing. Allele origin: germline.
Comment: NM_001113378.2(FANCI):c.2390C>T (p.Ala797Val) is a missense variant that results in the substitution of alanine with valine. Population frequency is inconsistent with a disease-causing role for this variant. Computational prediction algorithms are consistent with a benign effect. Therefore, based on the currently available evidence, this variant is classified as likely benign.

Fulgent Genetics
Classification: Likely benign for Fanconi anemia complementation group I. Last evaluated: 2024-06-12. Review status: criteria provided, single submitter. Criteria: ACMG Guidelines, 2015. Collection method: clinical testing. Allele origin: germline.

Blueprint Genetics
Classification: Likely benign. Last evaluated: 2023-02-01. Review status: criteria provided, single submitter. Criteria: ACMG Guidelines, 2015. Collection method: clinical testing. Allele origin: germline.

NM_001113378.2(FANCI):c.2390C>T (p.Ala797Val)

Gene: FANCI (FA complementation group I; plus strand). Cytogenetic location: 15q26.1.
Variant type: single nucleotide variant.
Coding change: c.2390C>T on transcript NM_001113378.2 (MANE Select); coding-DNA position 2390, C replaced by T.
Protein change: p.Ala797Val; replaces alanine 797 with valine.
Molecular consequence: missense variant.
Genome position (GRCh38, 1-based): chr15:89,293,931, C>T. VCF-style: chr15-89293931-C-T. GRCh37 (hg19) VCF-style: chr15-89837162-C-T.
Other names: c.2111C>T, p.Ala704Val (NM_001376910.1); c.2390C>T, p.Ala797Val (NM_001376911.1, NM_018193.3); short protein forms A704V, A797V.
Identifiers: ClinVar variation 848936 (VCV000848936.12), dbSNP rs761136936, ClinGen allele CA7723367.